The following is an entry in ClinVar:

ClinVar aggregate classification (germline): Uncertain significance (1 of 4 stars; one submission).

Conditions:
Epilepsy, progressive myoclonic, 1B. Also called: PME. Identifiers: Orphanet 308, MedGen C2676254, MONDO:0012904, OMIM 612437.

Allele frequency attached by ClinVar (database versions not stated): gnomAD 0.00001; TOPMed below 0.00001.
gnomAD v4.1: 1 of 1,613,948 alleles (0.000062%); highest among the groups gnomAD compares: Non-Finnish European, 0.000085%; no homozygotes.

Submission:

Labcorp Genetics (formerly Invitae), Labcorp
Classification: Uncertain significance for Epilepsy, progressive myoclonic, 1B. Last evaluated: 2017-11-27. Review status: criteria provided, single submitter. Criteria: Invitae Variant Classification Sherloc (09022015). Collection method: clinical testing. Allele origin: germline.
Comment: In summary, the available evidence is currently insufficient to determine the role of this variant in disease. Therefore, it has been classified as a Variant of Uncertain Significance. Algorithms developed to predict the effect of missense changes on protein structure and function output the following: SIFT: "Tolerated"; PolyPhen-2: "Benign"; Align-GVGD: "Class C0". The methionine amino acid residue is found in multiple mammalian species, suggesting that this missense change does not adversely affect protein function. These predictions have not been confirmed by published functional studies and their clinical significance is uncertain. This variant has not been reported in the literature in individuals with PRICKLE1-related disease. This variant is not present in population databases (ExAC no frequency). This sequence change replaces isoleucine with methionine at codon 725 of the PRICKLE1 protein (p.Ile725Met). The isoleucine residue is moderately conserved and there is a small physicochemical difference between isoleucine and methionine.

NM_153026.3(PRICKLE1):c.2175C>G (p.Ile725Met)

Gene: PRICKLE1 (prickle planar cell polarity protein 1; minus strand). Cytogenetic location: 12q12.
Variant type: single nucleotide variant.
Coding change: c.2175C>G on transcript NM_153026.3 (MANE Select); coding-DNA position 2175, C replaced by G.
Protein change: p.Ile725Met; replaces isoleucine 725 with methionine.
Molecular consequence: missense variant.
Genome position (GRCh38, 1-based): chr12:42,460,130, G>C on the plus strand (C>G on the coding strand, the complement: PRICKLE1 is on the minus strand). VCF-style: chr12-42460130-G-C. GRCh37 (hg19) VCF-style: chr12-42853932-G-C.
Other names: c.2175C>G, p.Ile725Met (NM_001144881.2, NM_001144882.2, NM_001144883.2); short protein forms I725M.
Identifiers: ClinVar variation 537243 (VCV000537243.8), dbSNP rs1555229265, ClinGen allele CA384440043.